The following is an entry in ClinVar:

NM_001379500.1(COL18A1):c.597_603dup (p.Gly202fs)

Gene: COL18A1 (collagen type XVIII alpha 1 chain; plus strand). Cytogenetic location: 21q22.3.
Variant type: Duplication.
Coding change: c.597_603dup on transcript NM_001379500.1 (MANE Select); coding-DNA positions 597 to 603, 7 bases duplicated (TGGCGCC; older notation c.597_603dupTGGCGCC).
Protein change: p.Gly202fs; shifts the reading frame from glycine 202.
Molecular consequence: frameshift variant.
Genome position (GRCh38, 1-based): chr21:45,468,732-45,468,738, TGGCGCC duplicated; duplicating any 7 consecutive bases within chr21:45,468,729-45,468,738 gives the same sequence; the c. name uses the placement nearest the transcript's 3' end. VCF-style (leftmost placement, unchanged base first): chr21-45468728-A-AGCCTGGC. GRCh37 (hg19) VCF-style: chr21-46888642-A-AGCCTGGC.
Other names: c.1137_1143dup, p.Gly382fs (NM_030582.4); c.1842_1848dup, p.Gly617fs (NM_130444.3); short protein forms G202fs, G382fs, G617fs.
Identifiers: ClinVar variation 3767339 (VCV003767339.1).

ClinVar aggregate classification (germline): Likely pathogenic (1 of 4 stars; one submission).

Conditions:
Knobloch syndrome 1 (KNO1). Identifiers: MedGen C4551775, MONDO:0800167, OMIM 267750.

Submission:

SingHealth Duke-NUS Institute of Precision Medicine
Classification: Likely pathogenic for Knobloch syndrome 1. Last evaluated: 2025-02-05. Review status: criteria provided, single submitter. Criteria: PRISM ACMG Classification Criteria. Collection method: clinical testing. Allele origin: germline. Affected: yes.
Comment: Variant is predicted to cause nonsense-mediated decay in a gene where LOF is a known cause of pathogenicity (PVS1). Variant is not found in gnomAD genomes, and homozygous allele count in gnomAD exomes is than 0 (PM2).